The following is an entry in ClinVar:

ClinVar aggregate classification (germline): Conflicting classifications of pathogenicity. Review status: criteria provided, conflicting classifications (1 of 4 stars). 6 submissions from 6 submitters: Uncertain significance (5); Benign (1). Last evaluated 2025-10-02.

Conditions:
Tip-toe gait. Also called: Toe walking. Identifiers: MedGen C0427144, HP:0030051.
Charcot-Marie-Tooth disease type 4B3. Also called: CHARCOT-MARIE-TOOTH DISEASE, DEMYELINATING, TYPE 4B3; Charcot-Marie-Tooth Neuropathy Type 4B3. Identifiers: Orphanet 363981, MedGen C3695063, MONDO:0014117, OMIM 615284.

Allele frequency attached by ClinVar (database versions not stated): TOPMed 0.00023; ESP Exome Variant Server 0.00024; gnomAD 0.00025 and 0.00027; gnomAD exomes 0.00028 and 0.00029; ExAC 0.00029.
gnomAD v4.1: 459 of 1,613,988 alleles (0.028%); highest among the groups gnomAD compares: Non-Finnish European, 0.036%; no homozygotes.

Submissions (6):

Labcorp Genetics (formerly Invitae), Labcorp
Classification: Uncertain significance. Last evaluated: 2025-10-02. Review status: criteria provided, single submitter. Criteria: Invitae Variant Classification Sherloc (09022015). Collection method: clinical testing. Allele origin: germline.
Comment: This sequence change replaces arginine, which is basic and polar, with tryptophan, which is neutral and slightly polar, at codon 1547 of the SBF1 protein (p.Arg1547Trp). This variant is present in population databases (rs370182117, gnomAD 0.05%). This variant has not been reported in the literature in individuals affected with SBF1-related conditions. ClinVar contains an entry for this variant (Variation ID: 811714). Invitae Evidence Modeling of protein sequence and biophysical properties (such as structural, functional, and spatial information, amino acid conservation, physicochemical variation, residue mobility, and thermodynamic stability) indicates that this missense variant is expected to disrupt SBF1 protein function with a positive predictive value of 80%. In summary, the available evidence is currently insufficient to determine the role of this variant in disease. Therefore, it has been classified as a Variant of Uncertain Significance.

Ambry Genetics
Classification: Uncertain significance. Last evaluated: 2025-08-06. Review status: criteria provided, single submitter. Criteria: Ambry Variant Classification Scheme 2023. Collection method: clinical testing. Allele origin: germline.

Blueprint Genetics
Classification: Uncertain significance. Last evaluated: 2024-11-27. Review status: criteria provided, single submitter. Criteria: ACMG Guidelines, 2015. Collection method: clinical testing. Allele origin: germline.

GeneDx
Classification: Uncertain significance. Last evaluated: 2024-06-17. Review status: criteria provided, single submitter. Criteria: GeneDx Variant Classification Process June 2021. Collection method: clinical testing. Allele origin: germline. Affected: yes.
Comment: In silico analysis supports that this missense variant has a deleterious effect on protein structure/function; Has not been previously published as pathogenic or benign to our knowledge

Practice for Gait Abnormalities, David Pomarino, Competency Network Toe Walking C/o Practice Pomarino
Classification: Benign for Tip-toe gait. Last evaluated: 2022-07-25. Review status: criteria provided, single submitter. Criteria: Pomarino et al. (Glob Med Genet. 2026). Collection method: clinical testing. Allele origin: germline. Affected: yes.

ARUP Laboratories, Molecular Genetics and Genomics, ARUP Laboratories
Classification: Uncertain significance for Charcot-Marie-Tooth disease type 4B3. Last evaluated: 2018-08-05. Review status: criteria provided, single submitter. Criteria: ARUP Molecular Germline Variant Investigation Process. Collection method: clinical testing. Allele origin: germline.
Comment: The SBF1 c.4639C>T; p.Arg1547Trp variant (rs370182117), to our knowledge, is not reported in the medical literature or gene specific databases. This variant is found in the general population with an overall allele frequency of 0.03% (75/276800 alleles) in the Genome Aggregation Database. The arginine at codon 1547 is highly conserved, and computational analyses (SIFT, PolyPhen-2) predict that this variant is deleterious. Due to limited information, the clinical significance of the p.Arg1547Trp variant is uncertain at this time.

NM_002972.4(SBF1):c.4639C>T (p.Arg1547Trp)

Gene: SBF1 (SET binding factor 1; minus strand). Cytogenetic location: 22q13.33.
Variant type: single nucleotide variant.
Coding change: c.4639C>T on transcript NM_002972.4 (MANE Select); coding-DNA position 4639, C replaced by T.
Protein change: p.Arg1547Trp; replaces arginine 1547 with tryptophan.
Molecular consequence: missense variant.
Genome position (GRCh38, 1-based): chr22:50,455,058, G>A on the plus strand (C>T on the coding strand, the complement: SBF1 is on the minus strand). VCF-style: chr22-50455058-G-A. GRCh37 (hg19) VCF-style: chr22-50893487-G-A.
Other names: c.4564C>T, p.Arg1522Trp (NM_001365819.1); c.4639C>T (NM_002972.3); short protein forms R1522W, R1547W.
Identifiers: ClinVar variation 811714 (VCV000811714.17), dbSNP rs370182117, ClinGen allele CA10316183.
Genomic context (GRCh38, chr22:50,455,058, plus strand): 5'-CCCCGACTCCCCACATACCCAGCTCAATGCGCTCATAGTCAGAGTCGAGCAGGAAGGTCC[G>A]GAAACGGCGGGACACATGGTGGTAGCCGAGGAACTTGAGGTAGAACTGGCTGAACTCAAA-3'
Protein context (NP_002963.2, residues 1537-1557): LGYHHVSRRF[Arg1547Trp]TFLLDSDYER